The following is an entry in ClinVar:

ClinVar aggregate classification (germline): Uncertain significance. Review status: criteria provided, multiple submitters, no conflicts (2 of 4 stars). 2 submissions from 2 submitters: Uncertain significance (2). Last evaluated 2025-01-17.

Submissions (2):

Ambry Genetics
Classification: Uncertain significance. Last evaluated: 2025-01-17. Review status: criteria provided, single submitter. Criteria: Ambry Variant Classification Scheme 2023. Collection method: clinical testing. Allele origin: germline.

Labcorp Genetics (formerly Invitae), Labcorp
Classification: Uncertain significance. Last evaluated: 2024-09-05. Review status: criteria provided, single submitter. Criteria: Invitae Variant Classification Sherloc (09022015). Collection method: clinical testing. Allele origin: germline.
Comment: This sequence change replaces threonine, which is neutral and polar, with asparagine, which is neutral and polar, at codon 81 of the LSR protein (p.Thr81Asn). This variant is present in population databases (rs756838617, gnomAD 0.009%). This variant has not been reported in the literature in individuals affected with LSR-related conditions. An algorithm developed to predict the effect of missense changes on protein structure and function (PolyPhen-2) suggests that this variant is likely to be disruptive. In summary, the available evidence is currently insufficient to determine the role of this variant in disease. Therefore, it has been classified as a Variant of Uncertain Significance.

NM_205834.4(LSR):c.98C>A (p.Thr33Asn)

Gene: LSR (lipolysis stimulated lipoprotein receptor; plus strand). Cytogenetic location: 19q13.12.
Variant type: single nucleotide variant.
Coding change: c.98C>A on transcript NM_205834.4 (MANE Select); coding-DNA position 98, C replaced by A.
Protein change: p.Thr33Asn; replaces threonine 33 with asparagine.
Molecular consequence: missense variant.
Genome position (GRCh38, 1-based): chr19:35,249,120, C>A. VCF-style: chr19-35249120-C-A. GRCh37 (hg19) VCF-style: chr19-35740023-C-A.
Other names: c.242C>A (NM_205834.2); c.98C>A, p.Thr33Asn (NM_001260489.2, NM_001260490.2, NM_001385215.1 and 2 more transcripts); short protein forms T33N.
Identifiers: ClinVar variation 2854020 (VCV002854020.4), dbSNP rs756838617, ClinGen allele CA9374577.